The following is an entry in ClinVar:

ClinVar aggregate classification (germline): Likely pathogenic (1 of 4 stars; one submission).

Conditions:
Nemaline myopathy 2 (NEM2). Also called: Nemaline myopathy 2, autosomal recessive. Identifiers: MedGen C1850569, MONDO:0009725, OMIM 256030.

Submission:

Myriad Genetics, Inc.
Classification: Likely pathogenic for Nemaline myopathy 2. Last evaluated: 2021-12-27. Review status: criteria provided, single submitter. Criteria: Myriad Women's Health Autosomal Recessive and X-Linked Classification Criteria (2021). Collection method: clinical testing. Allele origin: unknown.
Comment: NM_001271208.1(NEB):c.1638dupT(I547Yfs*9) is expected to be pathogenic in the context of NEB-related nemaline myopathy. This variant is predicted to lead to an abnormal or absent protein product due to the creation of a premature termination codon in NEB, a gene where loss-of-function variants are known to be pathogenic. Please note: this variant was assessed in the context of healthy population screening.

NM_001164508.2(NEB):c.1638dup (p.Ile547fs)

Gene: NEB (nebulin; minus strand). Cytogenetic location: 2q23.3.
Variant type: Duplication.
Coding change: c.1638dup on transcript NM_001164508.2 (MANE Select); coding-DNA position 1638, one base duplicated (T; older notation c.1638dupT).
Protein change: p.Ile547fs; shifts the reading frame from isoleucine 547.
Molecular consequence: frameshift variant.
Genome position (GRCh38, 1-based): chr2:151,695,614, A duplicated on the plus strand (T on the coding strand, the reverse complement: NEB is on the minus strand); the first of 4 consecutive A bases (chr2:151,695,614-151,695,617); duplicating any one gives the same sequence. VCF-style (leftmost placement, unchanged base first): chr2-151695613-T-TA. GRCh37 (hg19) VCF-style: chr2-152552127-T-TA.
Other names: c.1638dup, p.Ile547fs (NM_001271208.2, NM_004543.5, NM_001164507.2); short protein forms I547fs.
Identifiers: ClinVar variation 1726614 (VCV001726614.2), dbSNP rs2552269111, ClinGen allele CA2580064045.